The following is an entry in ClinVar:

ClinVar aggregate classification (germline): Uncertain significance (1 of 4 stars; one submission).

Submission:

Labcorp Genetics (formerly Invitae), Labcorp
Classification: Uncertain significance. Last evaluated: 2022-06-04. Review status: criteria provided, single submitter. Criteria: Invitae Variant Classification Sherloc (09022015). Collection method: clinical testing. Allele origin: germline.
Comment: In summary, the available evidence is currently insufficient to determine the role of this variant in disease. Therefore, it has been classified as a Variant of Uncertain Significance. This variant has not been reported in the literature in individuals affected with SLC25A21-related conditions. This variant is a gross deletion of the genomic region encompassing exon(s) 4-5 of the SLC25A21 gene. This deletion is out-of-frame, and is expected to create a premature translational stop signal and result in an absent or disrupted protein product. However, the current clinical and genetic evidence is not sufficient to establish whether loss-of-function variants in SLC25A21 cause disease.

NC_000014.8:g.(?_37198692)_(37203798_?)del

Gene: SLC25A21 (solute carrier family 25 member 21; minus strand). Cytogenetic location: 14q13.3.
Variant type: Deletion.
Identifiers: ClinVar variation 2426936 (VCV002426936.4).